The following is an entry in ClinVar:

ClinVar aggregate classification (germline): Uncertain significance (1 of 4 stars; one submission).

Conditions:
Familial thoracic aortic aneurysm and aortic dissection (TAAD). Also called: Thoracic aortic aneurysms and dissections. Identifiers: Orphanet 91387, MedGen C4707243, MONDO:0019625.

Allele frequency attached by ClinVar (database versions not stated): gnomAD exomes below 0.00001.
gnomAD v4.1: 1 of 1,611,438 alleles (0.000062%); highest among the groups gnomAD compares: Non-Finnish European, 0.000085%; no homozygotes.

Submission:

Ambry Genetics
Classification: Uncertain significance for Familial thoracic aortic aneurysm and aortic dissection. Last evaluated: 2022-06-14. Review status: criteria provided, single submitter. Criteria: Ambry Variant Classification Scheme 2023. Collection method: clinical testing. Allele origin: germline.
Comment: The p.A356T variant (also known as c.1066G>A), located in coding exon 9 of the PRKG1 gene, results from a G to A substitution at nucleotide position 1066. The alanine at codon 356 is replaced by threonine, an amino acid with similar properties. This amino acid position is conserved. In addition, this alteration is predicted to be tolerated by in silico analysis. Since supporting evidence is limited at this time, the clinical significance of this alteration remains unclear.

NM_006258.4(PRKG1):c.1066G>A (p.Ala356Thr)

Gene: PRKG1 (protein kinase cGMP-dependent 1; plus strand). Cytogenetic location: 10q21.1.
Variant type: single nucleotide variant.
Coding change: c.1066G>A on transcript NM_006258.4 (MANE Select); coding-DNA position 1066, G replaced by A.
Protein change: p.Ala356Thr; replaces alanine 356 with threonine.
Molecular consequence: missense variant. On other transcripts: 5 prime UTR variant (1).
Genome position (GRCh38, 1-based): chr10:52,161,953, G>A. VCF-style: chr10-52161953-G-A. GRCh37 (hg19) VCF-style: chr10-53921713-G-A.
Other names: c.1021G>A, p.Ala341Thr (NM_001098512.3); c.-144G>A (NM_001374781.1); short protein forms A356T, A341T.
Identifiers: ClinVar variation 1781963 (VCV001781963.2), dbSNP rs1838287354, ClinGen allele CA376534579.